The following is an entry in ClinVar:

ClinVar aggregate classification (germline): Likely pathogenic (1 of 4 stars; one submission).

Conditions:
Nemaline myopathy 2 (NEM2). Also called: Nemaline myopathy 2, autosomal recessive. Identifiers: MedGen C1850569, MONDO:0009725, OMIM 256030.

Submission:

Myriad Genetics, Inc.
Classification: Likely pathogenic for Nemaline myopathy 2. Last evaluated: 2022-02-19. Review status: criteria provided, single submitter. Criteria: Myriad Women's Health Autosomal Recessive and X-Linked Classification Criteria (2021). Collection method: clinical testing. Allele origin: unknown.
Comment: NM_001271208.1(NEB):c.18937delT(Y6313Tfs*44) is expected to be pathogenic in the context of NEB-related nemaline myopathy. This variant is predicted to lead to an abnormal or absent protein product due to the creation of a premature termination codon in NEB, a gene where loss-of-function variants are known to be pathogenic. Please note: this variant was assessed in the context of healthy population screening.

NM_001164508.2(NEB):c.18937del (p.Tyr6313fs)

Gene: NEB (nebulin; minus strand). Cytogenetic location: 2q23.3.
Variant type: Deletion.
Coding change: c.18937del on transcript NM_001164508.2 (MANE Select); coding-DNA position 18937, one base deleted (T; older notation c.18937delT).
Protein change: p.Tyr6313fs; shifts the reading frame from tyrosine 6313.
Molecular consequence: frameshift variant.
Genome position (GRCh38, 1-based): chr2:151,562,169, A deleted on the plus strand (T on the coding strand, the reverse complement: NEB is on the minus strand). VCF-style (leftmost placement, unchanged base first): chr2-151562168-TA-T. GRCh37 (hg19) VCF-style: chr2-152418682-TA-T.
Other names: c.18937del, p.Tyr6313fs (NM_001164507.2, NM_001271208.2); c.13834del, p.Tyr4612fs (NM_004543.5); short protein forms Y4612fs, Y6313fs.
Identifiers: ClinVar variation 1724517 (VCV001724517.2), dbSNP rs2552190072, ClinGen allele CA2580063920.
Genomic context (GRCh38, chr2:151,562,168, plus strand): 5'-ACCTGACTCTGAAGGTCGTATGATTTCTTGGCATGGAGGATTTGGGGTGTATCCCAAACG[TA>T]GCAACCAATGCCTTTCAACCAATTCAGGTCATCTTTATACACATTCTGCAAGAAAGAGAG-3'